The following is an entry in ClinVar:

ClinVar aggregate classification (germline): Conflicting classifications of pathogenicity. Review status: criteria provided, conflicting classifications (1 of 4 stars). 5 submissions from 4 submitters: Pathogenic (2); Likely pathogenic (1); Uncertain significance (2). Last evaluated 2024-06-21.

Conditions:
Progeroid and marfanoid aspect-lipodystrophy syndrome. Also called: MARFANOID-PROGEROID SYNDROME; MARFAN-PROGEROID-LIPODYSTROPHY SYNDROME; Marfan lipodystrophy syndrome; MARFANOID-PROGEROID-LIPODYSTROPHY SYNDROME. Identifiers: Orphanet 300382, MedGen C4310796, MONDO:0014831, OMIM 616914.
MASS syndrome (OCTD). Also called: OVERLAP CONNECTIVE TISSUE DISEASE; MASS PHENOTYPE. Identifiers: MedGen C1858556, MONDO:0011431, OMIM 604308.
Ectopia lentis 1, isolated, autosomal dominant (ECTOL1). Identifiers: Orphanet 1885, MedGen C3541518, MONDO:0007514, OMIM 129600.
Weill-Marchesani syndrome 2, dominant. Also called: Weill-Marchesani Syndrome, Autosomal Dominant; FBN1-Related Weill-Marchesani Syndrome. Identifiers: Orphanet 2084, MedGen C1869115, MONDO:0012013, OMIM 608328.
Acromicric dysplasia (ACMICD). Also called: Acromicric skeletal dysplasia. Identifiers: Orphanet 969, MedGen C0265287, MONDO:0007055, OMIM 102370.
Geleophysic dysplasia 2 (GPHYSD2). Identifiers: Orphanet 2623, MedGen C3280054, MONDO:0013612, OMIM 614185.
Stiff skin syndrome (SSKS). Identifiers: Orphanet 2833, MedGen C1861456, MONDO:0008492, OMIM 184900.
Marfan syndrome (MFS). Also called: Marfan syndrome type 1; Marfan syndrome, classic; Marfan's syndrome; FBN1-Related Marfan Syndrome; MARFAN SYNDROME, TYPE I. Identifiers: Orphanet 284963, Orphanet 558, MedGen C0024796, MONDO:0007947, OMIM 154700.
Familial thoracic aortic aneurysm and aortic dissection (TAAD). Also called: Thoracic aortic aneurysms and dissections. Identifiers: Orphanet 91387, MedGen C4707243, MONDO:0019625.
Disproportionate tall stature. Also called: Dolichostenomelia. Identifiers: MedGen C1836996, HP:0001519.
High palate. Identifiers: MedGen C0240635, HP:0000218.
Mitral valve prolapse. Identifiers: MedGen C0026267, MONDO:0004910, HP:0001634.
Lumbar scoliosis. Identifiers: MedGen C2748518, HP:0004626.
Myxomatous mitral valve degeneration. Identifiers: MedGen C0264885, HP:0004764.

Allele frequency attached by ClinVar (database versions not stated): gnomAD exomes below 0.00001.
gnomAD v4.1: 1 of 1,613,806 alleles (0.000062%); highest among the groups gnomAD compares: African/African-American, 0.0013%; no homozygotes.

Submissions (5):

GeneDx
Classification: Uncertain significance. Last evaluated: 2024-06-21. Review status: criteria provided, single submitter. Criteria: GeneDx Variant Classification Process June 2021. Collection method: clinical testing. Allele origin: germline. Affected: yes.
Comment: Not observed at significant frequency in large population cohorts (gnomAD); In silico analysis supports that this missense variant has a deleterious effect on protein structure/function; Identified in an individual with features of Marfan syndrome who did not meet Ghent diagnostic criteria and in a cohort of individuals with non-syndromic heritable thoracic aortic aneurysms and dissections (TAAD) with no detailed clinical information provided (PMID: 25652356, 30739908); This variant is associated with the following publications: (PMID: 30739908, 25652356)

Color Diagnostics, LLC DBA Color Health
Classification: Uncertain significance for Familial thoracic aortic aneurysm and aortic dissection. Last evaluated: 2019-10-11. Review status: criteria provided, single submitter. Criteria: ACMG Guidelines, 2015. Collection method: clinical testing. Allele origin: germline.
Comment: This missense variant replaces asparagine with serine at codon 1463 of the FBN1 protein. Computational prediction suggests that this variant may have deleterious impact on protein structure and function (internally defined REVEL score threshold >= 0.7, PMID: 27666373). Splice site prediction tools suggest that this variant may not impact RNA splicing. To our knowledge, functional studies have not been performed for this variant. This variant has been reported in an individual affected with nonsyndromic heritable thoracic aortic aneurysms and dissections (PMID: 30739908). This variant has not been identified in the general population by the Genome Aggregation Database (gnomAD). The available evidence is insufficient to determine the role of this variant in disease conclusively. Therefore, this variant is classified as a Variant of Uncertain Significance.

Fulgent Genetics
Classification: Likely pathogenic for Acromicric dysplasia; Ectopia lentis 1, isolated, autosomal dominant; Marfan syndrome; Stiff skin syndrome; MASS syndrome; Weill-Marchesani syndrome 2, dominant; Geleophysic dysplasia 2; Progeroid and marfanoid aspect-lipodystrophy syndrome. Last evaluated: 2018-10-31. Review status: criteria provided, single submitter. Criteria: ACMG Guidelines, 2015. Collection method: clinical testing. Allele origin: unknown.

Centre for Mendelian Genomics, University Medical Centre Ljubljana
Classification: Pathogenic for Disproportionate tall stature; High palate; Lumbar scoliosis; Mitral valve prolapse; Myxomatous mitral valve degeneration. Last evaluated: 2017-01-01. Review status: criteria provided, single submitter. Criteria: ACMG Guidelines, 2015. Collection method: clinical testing. Allele origin: unknown. Affected: yes.

Centre for Mendelian Genomics, University Medical Centre Ljubljana
Classification: Pathogenic for Progeroid and marfanoid aspect-lipodystrophy syndrome. Last evaluated: 2016-01-01. Review status: criteria provided, single submitter. Criteria: ACMG Guidelines, 2015. Collection method: clinical testing. Allele origin: unknown. Affected: yes.
Comment: This variant was classified as: Pathogenic.

NM_000138.5(FBN1):c.4388A>G (p.Asn1463Ser)

Gene: FBN1 (fibrillin 1; minus strand). Cytogenetic location: 15q21.1.
Variant type: single nucleotide variant.
Coding change: c.4388A>G on transcript NM_000138.5 (MANE Select); coding-DNA position 4388, A replaced by G.
Protein change: p.Asn1463Ser; replaces asparagine 1463 with serine.
Molecular consequence: missense variant.
Genome position (GRCh38, 1-based): chr15:48,470,705, T>C on the plus strand (A>G on the coding strand, the complement: FBN1 is on the minus strand). VCF-style: chr15-48470705-T-C. GRCh37 (hg19) VCF-style: chr15-48762902-T-C.
Other names: short protein forms N1463S.
Identifiers: ClinVar variation 523334 (VCV000523334.11), dbSNP rs1555397413, ClinGen allele CA392354572.